The following is an entry in ClinVar:

ClinVar aggregate classification (germline): Conflicting classifications of pathogenicity. Review status: criteria provided, conflicting classifications (1 of 4 stars). 4 submissions from 4 submitters: Uncertain significance (1); Likely benign (3). Last evaluated 2025-12-01.

Conditions:
Inborn genetic diseases. Identifiers: MedGen C0950123, MeSH D030342.

Allele frequency attached by ClinVar (database versions not stated): ExAC 0.00004; gnomAD exomes 0.00004 and 0.00006; gnomAD 0.00005; TOPMed 0.00006.

Submissions (4):

Labcorp Genetics (formerly Invitae), Labcorp
Classification: Uncertain significance. Last evaluated: 2025-12-01. Review status: criteria provided, single submitter. Criteria: Invitae Variant Classification Sherloc (09022015). Collection method: clinical testing. Allele origin: germline.
Comment: This sequence change replaces threonine, which is neutral and polar, with alanine, which is neutral and non-polar, at codon 3172 of the KMT2A protein (p.Thr3172Ala). This variant is present in population databases (rs782359762, gnomAD 0.01%). This variant has not been reported in the literature in individuals affected with KMT2A-related conditions. ClinVar contains an entry for this variant (Variation ID: 1196116). Invitae Evidence Modeling of protein sequence and biophysical properties (such as structural, functional, and spatial information, amino acid conservation, physicochemical variation, residue mobility, and thermodynamic stability) indicates that this missense variant is not expected to disrupt KMT2A protein function with a negative predictive value of 95%. In summary, the available evidence is currently insufficient to determine the role of this variant in disease. Therefore, it has been classified as a Variant of Uncertain Significance.

Blueprint Genetics
Classification: Likely benign. Last evaluated: 2023-09-09. Review status: criteria provided, single submitter. Criteria: ACMG Guidelines, 2015. Collection method: clinical testing. Allele origin: germline.

Ambry Genetics
Classification: Likely benign for Inborn genetic diseases. Last evaluated: 2022-05-11. Review status: criteria provided, single submitter. Criteria: Ambry Variant Classification Scheme 2023. Collection method: clinical testing. Allele origin: germline.

GeneDx
Classification: Likely benign. Last evaluated: 2020-04-15. Review status: criteria provided, single submitter. Criteria: GeneDx Variant Classification Process June 2021. Collection method: clinical testing. Allele origin: germline. Affected: yes.

NM_001197104.2(KMT2A):c.9514A>G (p.Thr3172Ala)

Gene: KMT2A (lysine methyltransferase 2A; plus strand). Cytogenetic location: 11q23.3.
Variant type: single nucleotide variant.
Coding change: c.9514A>G on transcript NM_001197104.2 (MANE Select); coding-DNA position 9514, A replaced by G.
Protein change: p.Thr3172Ala; replaces threonine 3172 with alanine.
Molecular consequence: missense variant.
Genome position (GRCh38, 1-based): chr11:118,505,406, A>G. VCF-style: chr11-118505406-A-G. GRCh37 (hg19) VCF-style: chr11-118376121-A-G.
Other names: c.9505A>G, p.Thr3169Ala (NM_005933.4); short protein forms T3169A, T3172A.
Identifiers: ClinVar variation 1196116 (VCV001196116.9), dbSNP rs782359762, ClinGen allele CA6304602.